The following is an entry in ClinVar:

ClinVar aggregate classification (germline): Likely benign (1 of 4 stars; one submission).

Submission:

CeGaT Center for Human Genetics Tuebingen
Classification: Likely benign. Last evaluated: 2026-05-01. Review status: criteria provided, single submitter. Criteria: CeGaT Center For Human Genetics Tuebingen Variant Classification Criteria Version 2. Collection method: clinical testing. Allele origin: germline. Affected: yes. Observed: 1 variant allele.
Comment: NONO: PM2:Supporting, BP4, BP7

NM_007363.5(NONO):c.834G>A (p.Glu278=)

Gene: NONO (non-POU domain containing octamer binding; plus strand). Cytogenetic location: Xq13.1.
Variant type: single nucleotide variant.
Coding change: c.834G>A on transcript NM_007363.5 (MANE Select); coding-DNA position 834, G replaced by A.
Protein change: p.Glu278=; no amino-acid change (glutamic acid 278 retained).
Molecular consequence: synonymous variant.
Genome position (GRCh38, 1-based): chrX:71,296,938, G>A. VCF-style: chrX-71296938-G-A. GRCh37 (hg19) VCF-style: chrX-70516788-G-A.
Other names: c.834G>A, p.Glu278= (NM_001145408.2, NM_001145409.2); c.567G>A, p.Glu189= (NM_001145410.2).
Identifiers: ClinVar variation 4873911 (VCV004873911.2).